The following is an entry in ClinVar:

NM_030962.4(SBF2):c.772C>G (p.Leu258Val)

Gene: SBF2 (SET binding factor 2; minus strand). Cytogenetic location: 11p15.4.
Variant type: single nucleotide variant.
Coding change: c.772C>G on transcript NM_030962.4 (MANE Select); coding-DNA position 772, C replaced by G.
Protein change: p.Leu258Val; replaces leucine 258 with valine.
Molecular consequence: missense variant.
Genome position (GRCh38, 1-based): chr11:10,001,003, G>C on the plus strand (C>G on the coding strand, the complement: SBF2 is on the minus strand). VCF-style: chr11-10001003-G-C. GRCh37 (hg19) VCF-style: chr11-10022550-G-C.
Other names: c.772C>G, p.Leu258Val (NM_001386339.1, NM_001386342.1); short protein forms L258V.
Identifiers: ClinVar variation 1899835 (VCV001899835.6), dbSNP rs753460066, ClinGen allele CA5882010.

ClinVar aggregate classification (germline): Uncertain significance. Review status: criteria provided, multiple submitters, no conflicts (2 of 4 stars). 2 submissions from 2 submitters: Uncertain significance (2). Last evaluated 2023-12-11.

Conditions:
Charcot-Marie-Tooth disease type 4. Also called: Charcot-Marie-Tooth, Type 4; Charcot-Marie-Tooth disease, type IV. Identifiers: Orphanet 64749, MedGen C4082197, MONDO:0018995.
Inborn genetic diseases. Identifiers: MedGen C0950123, MeSH D030342.

Allele frequency attached by ClinVar (database versions not stated): ExAC 0.00001.
gnomAD v4.1: 2 of 1,583,520 alleles (0.00013%); highest among the groups gnomAD compares: Admixed American, 0.0017%; no homozygotes.

Submissions (2):

Labcorp Genetics (formerly Invitae), Labcorp
Classification: Uncertain significance for Charcot-Marie-Tooth disease type 4. Last evaluated: 2023-12-11. Review status: criteria provided, single submitter. Criteria: Invitae Variant Classification Sherloc (09022015). Collection method: clinical testing. Allele origin: germline.
Comment: This sequence change replaces leucine, which is neutral and non-polar, with valine, which is neutral and non-polar, at codon 258 of the SBF2 protein (p.Leu258Val). This variant is present in population databases (rs753460066, gnomAD 0.003%). This variant has not been reported in the literature in individuals affected with SBF2-related conditions. ClinVar contains an entry for this variant (Variation ID: 1899835). Advanced modeling of protein sequence and biophysical properties (such as structural, functional, and spatial information, amino acid conservation, physicochemical variation, residue mobility, and thermodynamic stability) performed at Invitae indicates that this missense variant is expected to disrupt SBF2 protein function with a positive predictive value of 80%. In summary, the available evidence is currently insufficient to determine the role of this variant in disease. Therefore, it has been classified as a Variant of Uncertain Significance.

Ambry Genetics
Classification: Uncertain significance for Inborn genetic diseases. Last evaluated: 2022-12-28. Review status: criteria provided, single submitter. Criteria: Ambry Variant Classification Scheme 2023. Collection method: clinical testing. Allele origin: germline.